The following is an entry in ClinVar:

ClinVar aggregate classification (germline): Uncertain significance (1 of 4 stars; one submission).

gnomAD v4.1: 3 of 1,613,400 alleles (0.00019%); highest among the groups gnomAD compares: African/African-American, 0.004%; no homozygotes.

Submission:

CeGaT Center for Human Genetics Tuebingen
Classification: Uncertain significance. Last evaluated: 2025-09-01. Review status: criteria provided, single submitter. Criteria: CeGaT Center For Human Genetics Tuebingen Variant Classification Criteria Version 2. Collection method: clinical testing. Allele origin: germline. Affected: yes. Observed: 1 variant allele.
Comment: OTOF: PM2, BP4

NM_194248.3(OTOF):c.1392+4C>T

Gene: OTOF (otoferlin; minus strand). Cytogenetic location: 2p23.3.
Variant type: single nucleotide variant.
Coding change: c.1392+4C>T on transcript NM_194248.3 (MANE Select); 4 bases into the intron after coding-DNA position 1392, C replaced by T.
Molecular consequence: intron variant.
Genome position (GRCh38, 1-based): chr2:26,483,458, G>A on the plus strand (C>T on the coding strand, the complement: OTOF is on the minus strand). VCF-style: chr2-26483458-G-A. GRCh37 (hg19) VCF-style: chr2-26706326-G-A.
Other names: c.1392+4C>T (NM_001287489.2).
Identifiers: ClinVar variation 4281215 (VCV004281215.7).
Genomic context (GRCh38, chr2:26,483,458, plus strand): 5'-CATCAGCCTGCCCTTGTGATACCTGTCACCCAGCCCCAGCCTCCTGTACCTCATACCCCA[G>A]TACCTTCTGGCCAGCAAAGAAGACTTGCACGTAGGGGTCCACGAGGTCCTTGTTTTCACC-3'